The following is an entry in ClinVar:

ClinVar aggregate classification (germline): Pathogenic. Review status: reviewed by expert panel (3 of 4 stars). 17 submissions from 17 submitters: Pathogenic (1). 16 of the submissions do not count toward it. Last evaluated 2024-10-16.

Conditions:
Usher syndrome. Also called: Usher Syndromes; Usher's syndrome. Identifiers: Orphanet 886, MedGen CN469326, MeSH D052245, MONDO:0019501. Disease mechanism: loss of function.
USH2A-related disorder. Also called: USH2A-related disorders; USH2A-related condition. Identifiers: MedGen CN239332.
Usher syndrome type 2A. Also called: RETINAL DISEASE IN USHER SYNDROME TYPE IIA, MODIFIER OF; USHER SYNDROME, TYPE IIA. Identifiers: Orphanet 231178, Orphanet 886, MedGen C1848634, MONDO:0010169, OMIM 276901.
Retinitis pigmentosa 39 (RP39). Identifiers: Orphanet 791, MedGen C3151138, MONDO:0013436, OMIM 613809.
Retinal dystrophy. Also called: Inherited retinal dystrophy. Identifiers: Orphanet 71862, MedGen C0854723, MeSH D058499, MONDO:0019118, HP:0000556.
Retinitis pigmentosa (RP). Identifiers: Orphanet 791, MedGen C0035334, MeSH D012174, MONDO:0019200, OMIM 268000. Inheritance: Autosomal dominant, autosomal recessive and X linked inheritance.

Allele frequency attached by ClinVar (database versions not stated): TOPMed 0.00008; 1000 Genomes Project 30x 0.00016; gnomAD exomes 0.00002; ExAC 0.00003; gnomAD 0.00004 and 0.00005; ESP Exome Variant Server 0.00008.
gnomAD v4.1: 43 of 1,613,884 alleles (0.0027%); highest among the groups gnomAD compares: African/African-American, 0.008%; no homozygotes.

Submissions 1 to 13 of 17:

ClinGen Hearing Loss Variant Curation Expert Panel
Classification: Pathogenic for Usher syndrome. Last evaluated: 2024-10-16. Review status: reviewed by expert panel. Criteria: Clingen Hl Acmg Specifications Cdh23 Coch Gjb2 Kcnq4 Myo6 Myo7a Slc26a4 Tecta Ush2a V2. Collection method: curation. Allele origin: germline. Inheritance: Autosomal recessive inheritance.
Comment: The c.11713C>T variant in USH2A is a missense variant predicted to cause substitution of arginine by cysteine at amino acid 3905 (p.Arg3905Cys). The highest population minor allele frequency in gnomAD v4 is 0.007% (6/75036) in the African / African American population, which meets the ClinGen Hearing Loss VCEP threshold (≤0.007%) for PM2_Supporting. The computational predictor REVEL gives a score of 0.8, which is above the threshold of 0.7, evidence that correlates with impact to USH2A function (PP3). This variant has been detected in at least 6 individuals with Usher syndrome and at least 4 individuals with inherited retinal dystrophy. Of those individuals, 1 was homozygous and 7 were compound heterozygous for the variant and a pathogenic or likely pathogenic variant. At least 1 of those were confirmed in trans by family testing (PM3_VeryStrong, PMID: 31877679, 25333064, 28559085, 24944099, 34781295, 36011402, 32531858, 36909829, 27208204, 37217489). At least one patient with this variant was diagnosed with Usher syndrome, which is highly specific for USH2A-related disorders (PP4, PMID: 31877679). In summary, this variant meets the criteria to be classified as Pathogenic for autosomal recessive Usher syndrome based on the ACMG/AMP criteria applied, as specified by the ClinGen Hearing Loss Expert Panel: PM2_Supporting, PP3, PM3_VeryStrong, PP4. (ClinGen Hearing Loss VCEP specifications version 2; 10/16/2024).

CeGaT Center for Human Genetics Tuebingen
Classification: Likely pathogenic. Last evaluated: 2026-07-01. Review status: criteria provided, single submitter. Criteria: CeGaT Center For Human Genetics Tuebingen Variant Classification Criteria Version 2. Collection method: clinical testing. Allele origin: germline. Affected: yes. Observed: 3 variant alleles. Not counted in ClinVar's aggregate classification.
Comment: USH2A: PM3:Very Strong, PM2, BP4

PreventionGenetics, part of Exact Sciences
Classification: Pathogenic for USH2A-related condition. Last evaluated: 2026-03-28. Review status: criteria provided, single submitter. Criteria: ACMG Guidelines, 2015. Collection method: clinical testing. Allele origin: germline. Not counted in ClinVar's aggregate classification.
Comment: The USH2A c.11713C>T variant is predicted to result in the amino acid substitution p.Arg3905Cys. This variant has been reported in the homozygous and compound heterozygous states in patients with retinal disorders or Usher syndrome (see, for example, supplementary data, Baux et al. 2014. PubMed ID: 24944099; Krawitz et al. 2014. PubMed ID: 25333064; supplementary data, Ellingford et al. 2016. PubMed ID: 27208204; supplementary data, Stone et al. 2017. PubMed ID: 28559085; Karali et al. 2019. PubMed ID: 31877679; supplementary data, Colombo et al. 2021. PubMed ID: 33576794; Colombo et al. 2021. PubMed ID: 34781295). This variant is reported in 0.0050% of alleles in individuals of East Asian descent in gnomAD. This variant has been interpreted as 'pathogenic' by an expert ClinGen panel in ClinVar (Variation ID: 236537). Taken together, this variant is interpreted as pathogenic.

Natera, Inc.
Classification: Pathogenic for Usher syndrome type 2A. Last evaluated: 2025-12-03. Review status: criteria provided, single submitter. Criteria: Natera Variant Classification Schema (03/2026). Collection method: clinical testing. Allele origin: germline. Not counted in ClinVar's aggregate classification.
Comment: The c.11713C>T variant in USH2A is a missense variant predicted to cause substitution of arginine to cysteine at amino acid 3905. This variant is rare in the general population with a frequency below the threshold expected for the associated phenotype(s). This variant has been observed in one or more individuals affected with the associated recessive disease, as either homozygous or compound heterozygous with a second variant (PMID: 28559085, 24944099). Computational prediction algorithms indicate this variant is likely to affect gene or protein function. Given the available evidence, this variant is classified as Pathogenic.

Blueprint Genetics
Classification: Pathogenic for USH2A-related disorders. Last evaluated: 2024-09-30. Review status: criteria provided, single submitter. Criteria: ACMG Guidelines, 2015. Collection method: clinical testing. Allele origin: germline. Affected: yes. Observed: 5 variant alleles. Not counted in ClinVar's aggregate classification.

Fulgent Genetics
Classification: Pathogenic for Usher syndrome type 2A; Retinitis pigmentosa 39. Last evaluated: 2024-06-07. Review status: criteria provided, single submitter. Criteria: ACMG Guidelines, 2015. Collection method: clinical testing. Allele origin: germline. Not counted in ClinVar's aggregate classification.

Baylor Genetics
Classification: Pathogenic for Retinitis pigmentosa 39. Last evaluated: 2024-03-28. Review status: criteria provided, single submitter. Criteria: ACMG Guidelines, 2015. Collection method: clinical testing. Allele origin: unknown. Not counted in ClinVar's aggregate classification.

Labcorp Genetics (formerly Invitae), Labcorp
Classification: Pathogenic. Last evaluated: 2024-02-19. Review status: criteria provided, single submitter. Criteria: Invitae Variant Classification Sherloc (09022015). Collection method: clinical testing. Allele origin: germline. Not counted in ClinVar's aggregate classification.
Comment: This sequence change replaces arginine, which is basic and polar, with cysteine, which is neutral and slightly polar, at codon 3905 of the USH2A protein (p.Arg3905Cys). This variant is present in population databases (rs368675850, gnomAD 0.005%). This missense change has been observed in individual(s) with Usher syndrome (PMID: 24944099, 25333064, 27208204, 28559085). In at least one individual the data is consistent with being in trans (on the opposite chromosome) from a pathogenic variant. ClinVar contains an entry for this variant (Variation ID: 236537). An algorithm developed to predict the effect of missense changes on protein structure and function (PolyPhen-2) suggests that this variant is likely to be disruptive. For these reasons, this variant has been classified as Pathogenic.

Ophthalmic Genetics Group, Institute of Molecular and Clinical Ophthalmology Basel
Classification: Pathogenic for Retinitis pigmentosa. Last evaluated: 2023-07-24. Review status: criteria provided, single submitter. Criteria: ACMG Guidelines, 2015. Collection method: research. Allele origin: germline. Affected: yes. Observed: 1 variant allele. Not counted in ClinVar's aggregate classification.
Comment: Clinical significance based on ACMG v2.0

This variant was classified as Pathogenic based on ACMG criteria: PP5, PP3, PM2.

Revvity Omics, Revvity
Classification: Pathogenic. Last evaluated: 2023-06-28. Review status: criteria provided, single submitter. Criteria: ACMG Guidelines, 2015. Collection method: clinical testing. Allele origin: germline. Not counted in ClinVar's aggregate classification.

GeneDx
Classification: Pathogenic. Last evaluated: 2023-02-09. Review status: criteria provided, single submitter. Criteria: GeneDx Variant Classification Process June 2021. Collection method: clinical testing. Allele origin: germline. Affected: yes. Not counted in ClinVar's aggregate classification.
Comment: Not observed at significant frequency in large population cohorts (gnomAD); In silico analysis supports that this missense variant has a deleterious effect on protein structure/function; This variant is associated with the following publications: (PMID: 25333064, 24944099, 28559085, 27208204, 34781295, 33576794, 32531858, 31877679)

Laboratorio de Genetica e Diagnostico Molecular, Hospital Israelita Albert Einstein
Classification: Pathogenic for Usher syndrome type 2A. Last evaluated: 2022-05-27. Review status: criteria provided, single submitter. Criteria: ACMG Guidelines, 2015. Collection method: clinical testing. Allele origin: germline. Affected: yes. Observed: 1 variant allele. Not counted in ClinVar's aggregate classification.
Comment: ACMG classification criteria: PS4 strong, PM2 moderated, PM3 strong, PP3 supporting

Institute of Human Genetics, Univ. Regensburg, Univ. Regensburg
Classification: Likely pathogenic for Retinal dystrophy. Last evaluated: 2022-01-01. Review status: criteria provided, single submitter. Criteria: ACMG Guidelines, 2015. Collection method: clinical testing. Allele origin: germline. Affected: yes. Not counted in ClinVar's aggregate classification.

NM_206933.4(USH2A):c.11713C>T (p.Arg3905Cys)

Gene: USH2A (usherin; minus strand). Cytogenetic location: 1q41.
Variant type: single nucleotide variant.
Coding change: c.11713C>T on transcript NM_206933.4 (MANE Select); coding-DNA position 11713, C replaced by T.
Protein change: p.Arg3905Cys; replaces arginine 3905 with cysteine.
Molecular consequence: missense variant.
Genome position (GRCh38, 1-based): chr1:215,728,383, G>A on the plus strand (C>T on the coding strand, the complement: USH2A is on the minus strand). VCF-style: chr1-215728383-G-A. GRCh37 (hg19) VCF-style: chr1-215901725-G-A.
Other names: NP_996816.3:p.(Arg3905Cys); c.11713C>T (NM_206933.3, NM_206933.3); short protein forms R3905C.
Identifiers: ClinVar variation 236537 (VCV000236537.71), dbSNP rs368675850, ClinGen allele CA1393629.